The following is an entry in ClinVar:

NM_021167.5(GATAD1):c.754C>T (p.His252Tyr)

Gene: GATAD1 (GATA zinc finger domain containing 1; plus strand). Cytogenetic location: 7q21.2.
Variant type: single nucleotide variant.
Coding change: c.754C>T on transcript NM_021167.5 (MANE Select); coding-DNA position 754, C replaced by T.
Protein change: p.His252Tyr; replaces histidine 252 with tyrosine.
Molecular consequence: missense variant. On other transcripts: non-coding transcript variant (1).
Genome position (GRCh38, 1-based): chr7:92,456,506, C>T. VCF-style: chr7-92456506-C-T. GRCh37 (hg19) VCF-style: chr7-92085820-C-T.
Other names: short protein forms H252Y.
Identifiers: ClinVar variation 1759471 (VCV001759471.2), dbSNP rs375621373, ClinGen allele CA161965423.

ClinVar aggregate classification (germline): Uncertain significance (1 of 4 stars; one submission).

Conditions:
Cardiovascular phenotype. Identifiers: MedGen CN230736.

Allele frequency attached by ClinVar (database versions not stated): gnomAD 0.00001; TOPMed 0.00001; ESP Exome Variant Server 0.00008.
gnomAD v4.1: 5 of 1,612,932 alleles (0.00031%); highest among the groups gnomAD compares: Non-Finnish European, 0.00042%; no homozygotes.

Submission:

Ambry Genetics
Classification: Uncertain significance for Cardiovascular phenotype. Last evaluated: 2019-12-11. Review status: criteria provided, single submitter. Criteria: Ambry Variant Classification Scheme 2023. Collection method: clinical testing. Allele origin: germline.
Comment: The p.H252Y variant (also known as c.754C>T), located in coding exon 5 of the GATAD1 gene, results from a C to T substitution at nucleotide position 754. The histidine at codon 252 is replaced by tyrosine, an amino acid with similar properties. This amino acid position is highly conserved in available vertebrate species. In addition, the in silico prediction for this alteration is inconclusive. Since supporting evidence is limited at this time, the clinical significance of this alteration remains unclear.